The following is an entry in ClinVar:

NM_000465.4(BARD1):c.2188C>T (p.Gln730Ter)

Gene: BARD1 (BRCA1 associated RING domain 1; minus strand). Cytogenetic location: 2q35.
Variant type: single nucleotide variant.
Coding change: c.2188C>T on transcript NM_000465.4 (MANE Select); coding-DNA position 2188, C replaced by T.
Protein change: p.Gln730Ter; replaces glutamine 730 with a stop codon.
Molecular consequence: nonsense. On other transcripts: non-coding transcript variant (3).
Genome position (GRCh38, 1-based): chr2:214,728,822, G>A on the plus strand (C>T on the coding strand, the complement: BARD1 is on the minus strand). VCF-style: chr2-214728822-G-A. GRCh37 (hg19) VCF-style: chr2-215593546-G-A.
Other names: c.2131C>T, p.Gln711Ter (NM_001282543.2); c.835C>T, p.Gln279Ter (NM_001282545.2); c.778C>T, p.Gln260Ter (NM_001282548.2); c.649C>T, p.Gln217Ter (NM_001282549.2); short protein forms Q279*, Q711*, Q730*, Q217*, Q260*.
Identifiers: ClinVar variation 2565192 (VCV002565192.5), dbSNP rs1559372004, ClinGen allele CA350450312.

ClinVar aggregate classification (germline): Pathogenic/Likely pathogenic. Review status: criteria provided, multiple submitters, no conflicts (2 of 4 stars). 2 submissions from 2 submitters: Pathogenic (1); Likely pathogenic (1). Last evaluated 2024-09-13.

Conditions:
Hereditary cancer-predisposing syndrome. Also called: Neoplastic Syndromes, Hereditary; Hereditary Cancer Syndrome; Hereditary neoplastic syndrome; Tumor predisposition. Identifiers: Orphanet 140162, MedGen C0027672, MeSH D009386, MONDO:0015356.
Familial cancer of breast. Also called: Hereditary breast cancer; hereditary breast carcinoma; BREAST CANCER, FAMILIAL. Identifiers: Orphanet 227535, MedGen C0346153, MONDO:0016419, OMIM 114480. Disease mechanism: loss of function.

Submissions (2):

Ambry Genetics
Classification: Likely pathogenic for Hereditary cancer-predisposing syndrome. Last evaluated: 2024-09-13. Review status: criteria provided, single submitter. Criteria: Ambry Variant Classification Scheme 2023. Collection method: clinical testing. Allele origin: germline.
Comment: The p.Q730* variant (also known as c.2188C>T), located in coding exon 11 of the BARD1 gene, results from a C to T substitution at nucleotide position 2188. This changes the amino acid from a glutamine to a stop codon within coding exon 11. This alteration occurs at the 3' terminus of theBARD1 gene, is not expected to trigger nonsense-mediated mRNA decay, and only impacts the last 48 amino acids of the protein. However, premature stop codons are typically deleterious in nature, and the impacted region is critical for protein function (Ambry internal data). This variant is considered to be rare based on population cohorts in the Genome Aggregation Database (gnomAD). Based on the majority of available evidence to date, this variant is likely to be pathogenic.

Myriad Genetics, Inc.
Classification: Pathogenic for Familial cancer of breast. Last evaluated: 2023-05-25. Review status: criteria provided, single submitter. Criteria: Myriad Autosomal Dominant, Autosomal Recessive and X-Linked Classification Criteria (2023). Collection method: clinical testing. Allele origin: unknown.
Comment: This variant is considered pathogenic. This variant creates a termination codon and is predicted to result in premature protein truncation.